The following is an entry in ClinVar:

ClinVar aggregate classification (germline): Pathogenic (1 of 4 stars; one submission).

Conditions:
Familial cancer of breast. Also called: Hereditary breast cancer; BREAST CANCER, FAMILIAL; hereditary breast carcinoma. Identifiers: Orphanet 227535, MedGen C0346153, MONDO:0016419, OMIM 114480. Disease mechanism: loss of function.

Submission:

Myriad Genetics, Inc.
Classification: Pathogenic for Familial cancer of breast. Last evaluated: 2023-01-19. Review status: criteria provided, single submitter. Criteria: Myriad Autosomal Dominant, Autosomal Recessive and X-Linked Classification Criteria (2023). Collection method: clinical testing. Allele origin: unknown.
Comment: This variant is considered pathogenic. This variant creates a frameshift predicted to result in premature protein truncation.

NM_024675.4(PALB2):c.201_204dup (p.His69fs)

Gene: PALB2 (partner and localizer of BRCA2; minus strand). Cytogenetic location: 16p12.2.
Variant type: Duplication.
Coding change: c.201_204dup on transcript NM_024675.4 (MANE Select); coding-DNA positions 201 to 204, 4 bases duplicated (AAAA; older notation c.201_204dupAAAA).
Protein change: p.His69fs; shifts the reading frame from histidine 69.
Molecular consequence: frameshift variant.
Genome position (GRCh38, 1-based): chr16:23,637,857-23,637,860, TTTT duplicated on the plus strand (AAAA on the coding strand, the reverse complement: PALB2 is on the minus strand). VCF-style (leftmost placement, unchanged base first): chr16-23637856-G-GTTTT. GRCh37 (hg19) VCF-style: chr16-23649177-G-GTTTT.
Other names: c.141_144dup, p.His49Lysfs (NM_001407296.1); c.201_204dup, p.His69Lysfs (NM_001407297.1, NM_001407298.1, NM_001407299.1 and 3 more transcripts); c.-685_-682dup (NM_001407304.1, NM_001407305.1, NM_001407306.1 and 5 more transcripts); short protein forms H69fs.
Identifiers: ClinVar variation 2431251 (VCV002431251.1), dbSNP rs1555462031, ClinGen allele CA2580091380.